The following is an entry in ClinVar:

ClinVar aggregate classification (germline): Uncertain significance (1 of 4 stars; one submission).

Submission:

GeneDx
Classification: Uncertain significance. Last evaluated: 2024-12-09. Review status: criteria provided, single submitter. Criteria: GeneDx Variant Classification Process June 2021. Collection method: clinical testing. Allele origin: germline. Affected: yes.
Comment: Not observed at significant frequency in large population cohorts (gnomAD); In silico analysis supports that this missense variant has a deleterious effect on protein structure/function; Has not been previously published as pathogenic or benign to our knowledge

NM_001375524.1(TRRAP):c.9550C>T (p.Arg3184Trp)

Gene: TRRAP (transformation/transcription domain associated protein; plus strand). Cytogenetic location: 7q22.1.
Variant type: single nucleotide variant.
Coding change: c.9550C>T on transcript NM_001375524.1 (MANE Select); coding-DNA position 9550, C replaced by T.
Protein change: p.Arg3184Trp; replaces arginine 3184 with tryptophan.
Molecular consequence: missense variant.
Genome position (GRCh38, 1-based): chr7:98,988,925, C>T. VCF-style: chr7-98988925-C-T. GRCh37 (hg19) VCF-style: chr7-98586548-C-T.
Other names: c.9562C>T, p.Arg3188Trp (NM_001244580.2); c.9475C>T, p.Arg3159Trp (NM_003496.4); short protein forms R3159W, R3184W, R3188W.
Identifiers: ClinVar variation 3903397 (VCV003903397.1).